The following is an entry in ClinVar:

ClinVar aggregate classification (germline): Uncertain significance (1 of 4 stars; one submission).

Conditions:
PHF6-related disorder. Also called: PHF6-related condition.

Submission:

PreventionGenetics, part of Exact Sciences
Classification: Uncertain significance for PHF6-related condition. Last evaluated: 2024-12-13. Review status: criteria provided, single submitter. Criteria: ACMG Guidelines, 2015. Collection method: clinical testing. Allele origin: germline.
Comment: The PHF6 c.1013A>T variant is predicted to result in the amino acid substitution p.Glu338Val. To our knowledge, this variant has not been reported in the literature or in a large population database (gnomAD), indicating this variant is rare. At this time, the clinical significance of this variant is uncertain due to the absence of conclusive functional and genetic evidence.

NM_001015877.2(PHF6):c.1013A>T (p.Glu338Val)

Gene: PHF6 (PHD finger protein 6; plus strand). Cytogenetic location: Xq26.2.
Variant type: single nucleotide variant.
Coding change: c.1013A>T on transcript NM_001015877.2 (MANE Select); coding-DNA position 1013, A replaced by T.
Protein change: p.Glu338Val; replaces glutamic acid 338 with valine.
Molecular consequence: missense variant.
Genome position (GRCh38, 1-based): chrX:134,425,245, A>T. VCF-style: chrX-134425245-A-T. GRCh37 (hg19) VCF-style: chrX-133559275-A-T.
Other names: c.1013A>T, p.Glu338Val (NM_032458.3); short protein forms E338V.
Identifiers: ClinVar variation 5001417 (VCV005001417.1).